The following is an entry in ClinVar:

NM_020458.4(TTC7A):c.153C>G (p.Ser51Arg)

Genes: MCFD2 (multiple coagulation factor deficiency 2, ER cargo receptor complex subunit; minus strand), TTC7A (tetratricopeptide repeat domain 7A; plus strand). Cytogenetic location: 2p21.
Variant type: single nucleotide variant.
Coding change: c.153C>G on transcript NM_020458.4 (MANE Select); coding-DNA position 153, C replaced by G.
Protein change: p.Ser51Arg; replaces serine 51 with arginine.
Molecular consequence: missense variant. On other transcripts: 5 prime UTR variant (3), intron variant (1).
Genome position (GRCh38, 1-based): chr2:46,941,694, C>G. VCF-style: chr2-46941694-C-G. GRCh37 (hg19) VCF-style: chr2-47168833-C-G.
Other names: c.153C>G, p.Ser51Arg (NM_001288951.2); c.-752C>G (NM_001288955.2); c.-129G>C (NM_001171508.2); c.-31G>C (NM_001171511.3); c.83-8669C>G (NM_001288953.2); short protein forms S51R.
Identifiers: ClinVar variation 1914937 (VCV001914937.4), dbSNP rs1489770738, ClinGen allele CA346715842.

ClinVar aggregate classification (germline): Uncertain significance (1 of 4 stars; one submission).

Conditions:
Multiple gastrointestinal atresias. Also called: FAMILIAL INTESTINAL POLYATRESIA SYNDROME; Multiple intestinal atresia. Identifiers: Orphanet 2300, MedGen C0220744, MONDO:0009465.

Allele frequency attached by ClinVar (database versions not stated): TOPMed below 0.00001.
gnomAD v4.1: 1 of 1,550,948 alleles (0.000064%); highest among the groups gnomAD compares: Non-Finnish European, 0.000087%; no homozygotes.

Submission:

Labcorp Genetics (formerly Invitae), Labcorp
Classification: Uncertain significance for Multiple gastrointestinal atresias. Last evaluated: 2022-05-09. Review status: criteria provided, single submitter. Criteria: Invitae Variant Classification Sherloc (09022015). Collection method: clinical testing. Allele origin: germline.
Comment: In summary, the available evidence is currently insufficient to determine the role of this variant in disease. Therefore, it has been classified as a Variant of Uncertain Significance. Algorithms developed to predict the effect of missense changes on protein structure and function (SIFT, PolyPhen-2, Align-GVGD) all suggest that this variant is likely to be tolerated. This variant has not been reported in the literature in individuals affected with TTC7A-related conditions. This variant is not present in population databases (gnomAD no frequency). This sequence change replaces serine, which is neutral and polar, with arginine, which is basic and polar, at codon 51 of the TTC7A protein (p.Ser51Arg).